The following is an entry in ClinVar:

NM_144997.7(FLCN):c.904T>G (p.Ser302Ala)

Gene: FLCN (folliculin; minus strand). Cytogenetic location: 17p11.2.
Variant type: single nucleotide variant.
Coding change: c.904T>G on transcript NM_144997.7 (MANE Select); coding-DNA position 904, T replaced by G.
Protein change: p.Ser302Ala; replaces serine 302 with alanine.
Molecular consequence: missense variant.
Genome position (GRCh38, 1-based): chr17:17,219,177, A>C on the plus strand (T>G on the coding strand, the complement: FLCN is on the minus strand). VCF-style: chr17-17219177-A-C. GRCh37 (hg19) VCF-style: chr17-17122491-A-C.
Other names: c.958T>G, p.Ser320Ala (NM_001353229.2); c.904T>G, p.Ser302Ala (NM_001353230.2, NM_001353231.2); short protein forms S320A, S302A.
Identifiers: ClinVar variation 2451839 (VCV002451839.2), dbSNP rs2544196886, ClinGen allele CA398533038.

ClinVar aggregate classification (germline): Uncertain significance (1 of 4 stars; one submission).

Conditions:
Hereditary cancer-predisposing syndrome. Also called: Neoplastic Syndromes, Hereditary; Tumor predisposition; Hereditary neoplastic syndrome; Hereditary Cancer Syndrome. Identifiers: Orphanet 140162, MedGen C0027672, MeSH D009386, MONDO:0015356.

gnomAD v4.1: 1 of 1,614,170 alleles (0.000062%); highest among the groups gnomAD compares: Non-Finnish European, 0.000085%; no homozygotes.

Submission:

Ambry Genetics
Classification: Uncertain significance for Hereditary cancer-predisposing syndrome. Last evaluated: 2023-03-02. Review status: criteria provided, single submitter. Criteria: Ambry Variant Classification Scheme 2023. Collection method: clinical testing. Allele origin: germline.
Comment: The p.S302A variant (also known as c.904T>G), located in coding exon 6 of the FLCN gene, results from a T to G substitution at nucleotide position 904. The serine at codon 302 is replaced by alanine, an amino acid with similar properties. This amino acid position is well conserved in available vertebrate species. In addition, this alteration is predicted to be tolerated by in silico analysis. Since supporting evidence is limited at this time, the clinical significance of this alteration remains unclear.